The following is an entry in ClinVar:

ClinVar aggregate classification (germline): Uncertain significance (1 of 4 stars; one submission).

Conditions:
Joubert syndrome. Also called: CEREBELLOPARENCHYMAL DISORDER IV; JOUBERT-BOLTSHAUSER SYNDROME; Familial aplasia of the vermis. Identifiers: Orphanet 475, MedGen C5979921, MONDO:0018772.
Meckel-Gruber syndrome. Also called: DYSENCEPHALIA SPLANCHNOCYSTICA; GRUBER SYNDROME; Dysencephalia splachnocystica. Identifiers: Orphanet 564, MedGen C0265215, MONDO:0018921.

Allele frequency attached by ClinVar (database versions not stated): ExAC 0.00001; gnomAD exomes 0.00001.
gnomAD v4.1: 7 of 1,575,846 alleles (0.00044%); highest among the groups gnomAD compares: South Asian, 0.0078%; no homozygotes.

Submission:

Labcorp Genetics (formerly Invitae), Labcorp
Classification: Uncertain significance for Joubert syndrome; Meckel-Gruber syndrome. Last evaluated: 2022-06-11. Review status: criteria provided, single submitter. Criteria: Invitae Variant Classification Sherloc (09022015). Collection method: clinical testing. Allele origin: germline.
Comment: In summary, the available evidence is currently insufficient to determine the role of this variant in disease. Therefore, it has been classified as a Variant of Uncertain Significance. Algorithms developed to predict the effect of missense changes on protein structure and function are either unavailable or do not agree on the potential impact of this missense change (SIFT: "Deleterious"; PolyPhen-2: "Probably Damaging"; Align-GVGD: "Class C0"). This variant has not been reported in the literature in individuals affected with TCTN2-related conditions. This variant is present in population databases (rs747448755, gnomAD 0.01%). This sequence change replaces glycine, which is neutral and non-polar, with arginine, which is basic and polar, at codon 435 of the TCTN2 protein (p.Gly435Arg).

NM_024809.5(TCTN2):c.1303G>A (p.Gly435Arg)

Gene: TCTN2 (tectonic family member 2; plus strand). Cytogenetic location: 12q24.31.
Variant type: single nucleotide variant.
Coding change: c.1303G>A on transcript NM_024809.5 (MANE Select); coding-DNA position 1303, G replaced by A.
Protein change: p.Gly435Arg; replaces glycine 435 with arginine.
Molecular consequence: missense variant.
Genome position (GRCh38, 1-based): chr12:123,695,288, G>A. VCF-style: chr12-123695288-G-A. GRCh37 (hg19) VCF-style: chr12-124179835-G-A.
Other names: c.1300G>A, p.Gly434Arg (NM_001143850.3); c.1168G>A, p.Gly390Arg (NM_001410989.1); short protein forms G435R, G390R, G434R.
Identifiers: ClinVar variation 1934466 (VCV001934466.5), dbSNP rs747448755, ClinGen allele CA6861163.